The following is an entry in ClinVar:

NM_018706.7(DHTKD1):c.1585G>A (p.Asp529Asn)

Gene: DHTKD1 (dehydrogenase E1 and transketolase domain containing 1; plus strand). Cytogenetic location: 10p14.
Variant type: single nucleotide variant.
Coding change: c.1585G>A on transcript NM_018706.7 (MANE Select); coding-DNA position 1585, G replaced by A.
Protein change: p.Asp529Asn; replaces aspartic acid 529 with asparagine.
Molecular consequence: missense variant.
Genome position (GRCh38, 1-based): chr10:12,097,910, G>A. VCF-style: chr10-12097910-G-A. GRCh37 (hg19) VCF-style: chr10-12139909-G-A.
Other names: c.1585G>A (NM_018706.5); short protein forms D529N.
Identifiers: ClinVar variation 2150761 (VCV002150761.5), dbSNP rs751439344, ClinGen allele CA376021606.
Genomic context (GRCh38, chr10:12,097,910, plus strand): 5'-TGGCAGGGCCTGGCTCAGCCAGAAGCGCAAATCACCACCTGGAGTACAGGTGTGCCCCTC[G>A]ACCTCCTGCGGTTTGTTGGCATGAAGTCTGTAGAGGTGCCAAGAGAGCTGCAGATGCACA-3'
Protein context (NP_061176.4, residues 519-539): ITTWSTGVPL[Asp529Asn]LLRFVGMKSV

ClinVar aggregate classification (germline): Uncertain significance. Review status: criteria provided, multiple submitters, no conflicts (2 of 4 stars). 2 submissions from 2 submitters: Uncertain significance (2). Last evaluated 2025-06-12.

Conditions:
Inborn genetic diseases. Identifiers: MedGen C0950123, MeSH D030342.
2-aminoadipic 2-oxoadipic aciduria (AAKAD). Also called: ALPHA-AMINOADIPIC AND ALPHA-KETOADIPIC ACIDURIA; Aminoadipic aciduria. Identifiers: Orphanet 79154, MedGen C1859817, MONDO:0008774, OMIM 204750.

Allele frequency attached by ClinVar (database versions not stated): gnomAD 0.00001.

Submissions (2):

Labcorp Genetics (formerly Invitae), Labcorp
Classification: Uncertain significance for 2-aminoadipic 2-oxoadipic aciduria. Last evaluated: 2025-06-12. Review status: criteria provided, single submitter. Criteria: Invitae Variant Classification Sherloc (09022015). Collection method: clinical testing. Allele origin: germline.
Comment: This sequence change replaces aspartic acid, which is acidic and polar, with asparagine, which is neutral and polar, at codon 529 of the DHTKD1 protein (p.Asp529Asn). This variant is present in population databases (no rsID available, gnomAD 0.005%). This variant has not been reported in the literature in individuals affected with DHTKD1-related conditions. ClinVar contains an entry for this variant (Variation ID: 2150761). Invitae Evidence Modeling of protein sequence and biophysical properties (such as structural, functional, and spatial information, amino acid conservation, physicochemical variation, residue mobility, and thermodynamic stability) indicates that this missense variant is not expected to disrupt DHTKD1 protein function with a negative predictive value of 80%. In summary, the available evidence is currently insufficient to determine the role of this variant in disease. Therefore, it has been classified as a Variant of Uncertain Significance.

Ambry Genetics
Classification: Uncertain significance for Inborn genetic diseases. Last evaluated: 2021-04-29. Review status: criteria provided, single submitter. Criteria: Ambry Variant Classification Scheme 2023. Collection method: clinical testing. Allele origin: germline.